The following is an entry in ClinVar:

ClinVar aggregate classification (germline): Uncertain significance. Review status: criteria provided, single submitter (1 of 4 stars). 2 submissions from 2 submitters: Uncertain significance (1). 1 of the submissions does not count toward it. Last evaluated 2025-01-13.

Conditions:
ABHD12-related disorder. Also called: ABHD12-related condition.

Allele frequency attached by ClinVar (database versions not stated): gnomAD exomes 0.00002 and 0.00003; TOPMed 0.00002; ExAC 0.00005.
gnomAD v4.1: 31 of 1,613,064 alleles (0.0019%); highest among the groups gnomAD compares: South Asian, 0.013%; no homozygotes.

Submissions (2):

Labcorp Genetics (formerly Invitae), Labcorp
Classification: Uncertain significance. Last evaluated: 2025-01-13. Review status: criteria provided, single submitter. Criteria: Invitae Variant Classification Sherloc (09022015). Collection method: clinical testing. Allele origin: germline.
Comment: This sequence change falls in intron 12 of the ABHD12 gene. It does not directly change the encoded amino acid sequence of the ABHD12 protein. It affects a nucleotide within the consensus splice site. This variant is present in population databases (rs774414174, gnomAD 0.006%). This variant has not been reported in the literature in individuals affected with ABHD12-related conditions. ClinVar contains an entry for this variant (Variation ID: 941481). Variants that disrupt the consensus splice site are a relatively common cause of aberrant splicing (PMID: 17576681, 9536098). Algorithms developed to predict the effect of sequence changes on RNA splicing suggest that this variant is not likely to affect RNA splicing. In summary, the available evidence is currently insufficient to determine the role of this variant in disease. Therefore, it has been classified as a Variant of Uncertain Significance.

PreventionGenetics, part of Exact Sciences
Classification: Likely benign for ABHD12-related condition. Last evaluated: 2019-09-05. Review status: no assertion criteria provided. Collection method: clinical testing. Allele origin: germline. Not counted in ClinVar's aggregate classification.
Comment: This variant is classified as likely benign based on ACMG/AMP sequence variant interpretation guidelines (Richards et al. 2015 PMID: 25741868, with internal and published modifications).

Literature cited by the submitters: PubMed 17576681 (cited by Labcorp Genetics (formerly Invitae), Labcorp); PubMed 9536098 (cited by Labcorp Genetics (formerly Invitae), Labcorp).

NM_001042472.3(ABHD12):c.1157+3G>A

Gene: ABHD12 (abhydrolase domain containing 12, lysophospholipase; minus strand). Cytogenetic location: 20p11.21.
Variant type: single nucleotide variant.
Coding change: c.1157+3G>A on transcript NM_001042472.3 (MANE Select); 3 bases into the intron after coding-DNA position 1157, G replaced by A.
Molecular consequence: intron variant.
Genome position (GRCh38, 1-based): chr20:25,302,216, C>T on the plus strand (G>A on the coding strand, the complement: ABHD12 is on the minus strand). VCF-style: chr20-25302216-C-T. GRCh37 (hg19) VCF-style: chr20-25282852-C-T.
Other names: c.1157+3G>A (NM_015600.5).
Identifiers: ClinVar variation 941481 (VCV000941481.9), dbSNP rs774414174, ClinGen allele CA9795811.
Genomic context (GRCh38, chr20:25,302,216, plus strand): 5'-GCACGTTAGGTGTGAGCCAGTGCTGCCCAGACGAAGCCCCTGGGTGGGAAGAGAATGTCT[C>T]ACCTCAGTATCCGTGGCAGCTCAGGGCTCTTGTAAATGTATTTGTGCCTGTAGCCAAGGT-3'